The following is an entry in ClinVar:

NM_030912.3(TRIM8):c.796G>T (p.Ala266Ser)

Gene: TRIM8 (tripartite motif containing 8; plus strand). Cytogenetic location: 10q24.32.
Variant type: single nucleotide variant.
Coding change: c.796G>T on transcript NM_030912.3 (MANE Select); coding-DNA position 796, G replaced by T.
Protein change: p.Ala266Ser; replaces alanine 266 with serine.
Molecular consequence: missense variant. On other transcripts: non-coding transcript variant (1).
Genome position (GRCh38, 1-based): chr10:102,655,209, G>T. VCF-style: chr10-102655209-G-T. GRCh37 (hg19) VCF-style: chr10-104414966-G-T.
Other names: c.700G>T, p.Ala234Ser (NM_001345950.1); short protein forms A234S, A266S.
Identifiers: ClinVar variation 2765777 (VCV002765777.3), dbSNP rs1032923800, ClinGen allele CA377929346.

ClinVar aggregate classification (germline): Uncertain significance (1 of 4 stars; one submission).

Submission:

Labcorp Genetics (formerly Invitae), Labcorp
Classification: Uncertain significance. Last evaluated: 2023-06-04. Review status: criteria provided, single submitter. Criteria: Invitae Variant Classification Sherloc (09022015). Collection method: clinical testing. Allele origin: germline.
Comment: In summary, the available evidence is currently insufficient to determine the role of this variant in disease. Therefore, it has been classified as a Variant of Uncertain Significance. An algorithm developed to predict the effect of missense changes on protein structure and function (PolyPhen-2) suggests that this variant is likely to be tolerated. This variant has not been reported in the literature in individuals affected with TRIM8-related conditions. This variant is not present in population databases (gnomAD no frequency). This sequence change replaces alanine, which is neutral and non-polar, with serine, which is neutral and polar, at codon 266 of the TRIM8 protein (p.Ala266Ser).